The following is an entry in ClinVar:

NM_002863.5(PYGL):c.1345G>A (p.Gly449Ser)

Gene: PYGL (glycogen phosphorylase L; minus strand). Cytogenetic location: 14q22.1.
Variant type: single nucleotide variant.
Coding change: c.1345G>A on transcript NM_002863.5 (MANE Select); coding-DNA position 1345, G replaced by A.
Protein change: p.Gly449Ser; replaces glycine 449 with serine.
Molecular consequence: missense variant.
Genome position (GRCh38, 1-based): chr14:50,915,394, C>T on the plus strand (G>A on the coding strand, the complement: PYGL is on the minus strand). VCF-style: chr14-50915394-C-T. GRCh37 (hg19) VCF-style: chr14-51382112-C-T.
Other names: c.1345G>A (NM_002863.4); c.1243G>A, p.Gly415Ser (NM_001163940.2); short protein forms G415S, G449S.
Identifiers: ClinVar variation 3391293 (VCV003391293.2).
Genomic context (GRCh38, chr14:50,915,394, plus strand): 5'-ACACTTTAGTCTTCACGATGTCTGAGTGGATTTTAGCCACGCCATTCACAGCATGGGAAC[C>T]GACAATGCAGAGATGGGCCATGTTGATCCTTTTGCTTCCTTCCTCTTCTATCAGAGACAT-3'
Protein context (NP_002854.3, residues 439-459): RINMAHLCIV[Gly449Ser]SHAVNGVAKI

ClinVar aggregate classification (germline): Uncertain significance. Review status: criteria provided, multiple submitters, no conflicts (2 of 4 stars). 2 submissions from 2 submitters: Uncertain significance (2). Last evaluated 2025-01-24.

Conditions:
Inborn genetic diseases. Identifiers: MedGen C0950123, MeSH D030342.
Glycogen storage disease, type VI (GSD6). Also called: Glycogen storage disease type 6, due to phosphorylation; GSD VI; HERS DISEASE; PHOSPHORYLASE DEFICIENCY GLYCOGEN-STORAGE DISEASE OF LIVER; Glycogen storage disease type 6; Hepatic glycogen phosphorylase deficiency. Identifiers: Orphanet 369, MedGen C0017925, MONDO:0009294, OMIM 232700.

gnomAD v4.1: 67 of 1,613,986 alleles (0.0042%); highest among the groups gnomAD compares: South Asian, 0.037%; no homozygotes.

Submissions (2):

Ambry Genetics
Classification: Uncertain significance for Inborn genetic diseases. Last evaluated: 2025-01-24. Review status: criteria provided, single submitter. Criteria: Ambry Variant Classification Scheme 2023. Collection method: clinical testing. Allele origin: germline.

Neuberg Centre For Genomic Medicine, NCGM
Classification: Uncertain significance for Glycogen storage disease, type VI. Last evaluated: 2023-06-22. Review status: criteria provided, single submitter. Criteria: ACMG Guidelines, 2015. Collection method: clinical testing. Allele origin: germline. Inheritance: Autosomal recessive inheritance. Affected: yes.
Comment: The observed missense c.1345G>Ap.Gly449Ser variant in PYGL gene has not been reported previously as a pathogenic variant nor as a benign variant, to our knowledge. The p.Gly449Ser variant is present with 0.01% in gnomAD Exomes. This variant has not been submitted to the ClinVar database. Multiple lines of computational evidences Polyphen - Probably damaging, SIFT - Damaging and MutationTaster - Disease causing predict a damaging effect on protein structure and function for this variant. The reference amino acid change at this position on PYGL gene is predicted as conserved by GERP++ and PhyloP across 100 vertebrates. The amino acid Gly at position 449 is changed to a Ser changing protein sequence and it might alter its composition and physico-chemical properties. For these reasons, this variant has been classified as a Variant of Uncertain Significance VUS.